The following is an entry in ClinVar:

NM_015103.3(PLXND1):c.1592G>T (p.Gly531Val)

Gene: PLXND1 (plexin D1; minus strand). Cytogenetic location: 3q22.1.
Variant type: single nucleotide variant.
Coding change: c.1592G>T on transcript NM_015103.3 (MANE Select); coding-DNA position 1592, G replaced by T.
Protein change: p.Gly531Val; replaces glycine 531 with valine.
Molecular consequence: missense variant.
Genome position (GRCh38, 1-based): chr3:129,586,616, C>A on the plus strand (G>T on the coding strand, the complement: PLXND1 is on the minus strand). VCF-style: chr3-129586616-C-A. GRCh37 (hg19) VCF-style: chr3-129305459-C-A.
Other names: short protein forms G531V.
Identifiers: ClinVar variation 724204 (VCV000724204.7), dbSNP rs117182497, ClinGen allele CA2609332.

ClinVar aggregate classification (germline): Benign/Likely benign. Review status: criteria provided, multiple submitters, no conflicts (2 of 4 stars). 3 submissions from 3 submitters: Benign (1); Likely benign (1). 1 of the submissions does not count toward it. Last evaluated 2024-11-19.

Conditions:
PLXND1-related disorder. Also called: PLXND1-related condition.

Allele frequency attached by ClinVar (database versions not stated): ESP Exome Variant Server 0.00062; TOPMed 0.00124; gnomAD 0.00159 and 0.00177; 1000 Genomes Project 30x 0.00297; gnomAD exomes 0.00318; 1000 Genomes Project 0.00339; ExAC 0.00475.
gnomAD v4.1: 2,142 of 1,573,608 alleles (0.14%); highest among the groups gnomAD compares: East Asian, 1.4%; 11 homozygotes.

Submissions (3):

Blueprint Genetics
Classification: Likely benign. Last evaluated: 2024-11-19. Review status: criteria provided, single submitter. Criteria: ACMG Guidelines, 2015. Collection method: clinical testing. Allele origin: germline.

Labcorp Genetics (formerly Invitae), Labcorp
Classification: Benign. Last evaluated: 2019-12-31. Review status: criteria provided, single submitter. Criteria: Invitae Variant Classification Sherloc (09022015). Collection method: clinical testing. Allele origin: germline.

PreventionGenetics, part of Exact Sciences
Classification: Benign for PLXND1-related condition. Last evaluated: 2019-09-03. Review status: no assertion criteria provided. Collection method: clinical testing. Allele origin: germline. Not counted in ClinVar's aggregate classification.
Comment: This variant is classified as benign based on ACMG/AMP sequence variant interpretation guidelines (Richards et al. 2015 PMID: 25741868, with internal and published modifications).